The following is an entry in ClinVar:

NM_017780.4(CHD7):c.451C>T (p.Gln151Ter)

Gene: CHD7 (chromodomain helicase DNA binding protein 7; plus strand). Cytogenetic location: 8q12.2.
Variant type: single nucleotide variant.
Coding change: c.451C>T on transcript NM_017780.4 (MANE Select); coding-DNA position 451, C replaced by T.
Protein change: p.Gln151Ter; replaces glutamine 151 with a stop codon.
Molecular consequence: nonsense.
Genome position (GRCh38, 1-based): chr8:60,741,883, C>T. VCF-style: chr8-60741883-C-T. GRCh37 (hg19) VCF-style: chr8-61654442-C-T.
Other names: c.451C>T, p.Gln151Ter (NM_001316690.1); short protein forms Q151*.
Identifiers: ClinVar variation 2576066 (VCV002576066.1), dbSNP rs2487263636, ClinGen allele CA371297423.

ClinVar aggregate classification (germline): Pathogenic (1 of 4 stars; one submission).

Submission:

Institute for Clinical Genetics, University Hospital TU Dresden, University Hospital TU Dresden
Classification: Pathogenic. Last evaluated: 2022-12-13. Review status: criteria provided, single submitter. Criteria: ACMG Guidelines, 2015. Collection method: clinical testing. Allele origin: germline.
Comment: PVS1, PP4, PM2_SUP